The following is an entry in ClinVar:

NM_004183.4(BEST1):c.636C>T (p.Asn212=)

Gene: BEST1 (bestrophin 1; plus strand). Cytogenetic location: 11q12.3.
Variant type: single nucleotide variant.
Coding change: c.636C>T on transcript NM_004183.4 (MANE Select); coding-DNA position 636, C replaced by T.
Protein change: p.Asn212=; no amino-acid change (asparagine 212 retained).
Molecular consequence: synonymous variant. On other transcripts: non-coding transcript variant (1).
Genome position (GRCh38, 1-based): chr11:61,956,998, C>T. VCF-style: chr11-61956998-C-T. GRCh37 (hg19) VCF-style: chr11-61724470-C-T.
Other names: c.456C>T, p.Asn152= (NM_001139443.3, NM_001300786.2, NM_001300787.2); c.318C>T, p.Asn106= (NM_001363591.3); c.636C>T, p.Asn212= (NM_001363592.2); c.-540C>T (NM_001363593.3).
Identifiers: ClinVar variation 1499420 (VCV001499420.8), dbSNP rs764196815, ClinGen allele CA6040783.

ClinVar aggregate classification (germline): Uncertain significance (1 of 4 stars; one submission).

Allele frequency attached by ClinVar (database versions not stated): gnomAD exomes 0.00001; ExAC 0.00002.
gnomAD v4.1: 3 of 1,614,080 alleles (0.00019%); highest among the groups gnomAD compares: Non-Finnish European, 0.00025%; no homozygotes.

Submission:

Labcorp Genetics (formerly Invitae), Labcorp
Classification: Uncertain significance. Last evaluated: 2024-11-05. Review status: criteria provided, single submitter. Criteria: Invitae Variant Classification Sherloc (09022015). Collection method: clinical testing. Allele origin: germline.
Comment: This sequence change affects codon 212 of the BEST1 mRNA. It is a 'silent' change, meaning that it does not change the encoded amino acid sequence of the BEST1 protein. It affects a nucleotide within the consensus splice site. This variant is present in population databases (rs764196815, gnomAD 0.0009%). This variant has not been reported in the literature in individuals affected with BEST1-related conditions. ClinVar contains an entry for this variant (Variation ID: 1499420). Algorithms developed to predict the effect of sequence changes on RNA splicing suggest that this variant is not likely to affect RNA splicing. In summary, the available evidence is currently insufficient to determine the role of this variant in disease. Therefore, it has been classified as a Variant of Uncertain Significance.